The following is an entry in ClinVar:

NM_000540.3(RYR1):c.4001T>G (p.Leu1334Arg)

Gene: RYR1 (ryanodine receptor 1; plus strand). Cytogenetic location: 19q13.2.
Variant type: single nucleotide variant.
Coding change: c.4001T>G on transcript NM_000540.3 (MANE Select); coding-DNA position 4001, T replaced by G.
Protein change: p.Leu1334Arg; replaces leucine 1334 with arginine.
Molecular consequence: missense variant.
Genome position (GRCh38, 1-based): chr19:38,473,612, T>G. VCF-style: chr19-38473612-T-G. GRCh37 (hg19) VCF-style: chr19-38964252-T-G.
Other names: c.4001T>G, p.Leu1334Arg (NM_001042723.2); short protein forms L1334R.
Identifiers: ClinVar variation 3074379 (VCV003074379.4), dbSNP rs1171075530, ClinGen allele CA405642534.

ClinVar aggregate classification (germline): Uncertain significance. Review status: criteria provided, multiple submitters, no conflicts (2 of 4 stars). 3 submissions from 3 submitters: Uncertain significance (3). Last evaluated 2023-11-02.

Conditions:
Central core myopathy (CMYO1A). Also called: CONGENITAL MYOPATHY 1A, AUTOSOMAL DOMINANT, WITH SUSCEPTIBILITY TO MALIGNANT HYPERTHERMIA; Central core disease; Myopathy, central fibrillar. Identifiers: Orphanet 597, MedGen C5830701, MONDO:0007294, OMIM 117000.
Malignant hyperthermia, susceptibility to, 1 (MHS1). Also called: RYR1-Related Malignant Hyperthermia Susceptibility; Anesthesia related hyperthermia; Malignant hyperpyrexia; Fulminating hyperpyrexia; Pharmacogenic myopathy; Malignant hyperthermia suceptibility 1. Identifiers: Orphanet 423, MedGen C2930980, MONDO:0007783, OMIM 145600.
Congenital multicore myopathy with external ophthalmoplegia (CMYO1B). Also called: Congenital myopathy 1B, autosomal recessive; Minicore myopathy; MULTICORE MYOPATHY; Minicore myopathy with external ophthalmoplegia; MULTIMINICORE DISEASE WITH EXTERNAL OPHTHALMOPLEGIA. Identifiers: Orphanet 598, Orphanet 98905, MedGen C1850674, MONDO:0009712, OMIM 255320, HP:0003789.
King Denborough syndrome (KDS). Identifiers: MedGen C1840365, MONDO:0020485, OMIM 619542.

Allele frequency attached by ClinVar (database versions not stated): gnomAD exomes below 0.00001.
gnomAD v4.1: 1 of 1,570,604 alleles (0.000064%); highest among the groups gnomAD compares: East Asian, 0.0023%; no homozygotes.

Submissions (3):

All of Us Research Program, National Institutes of Health
Classification: Uncertain significance for Malignant hyperthermia, susceptibility to, 1. Last evaluated: 2023-11-02. Review status: criteria provided, single submitter. Criteria: ACMG Guidelines, 2015. Collection method: clinical testing. Allele origin: germline. Inheritance: Autosomal dominant inheritance. Observed: 1 variant allele, 1 heterozygote.
Comment: This missense variant replaces leucine with arginine at codon 1334 of the RYR1 protein. Computational prediction is inconclusive regarding the impact of this variant on protein structure and function (internally defined REVEL score threshold 0.5 < inconclusive < 0.7, PMID: 27666373). To our knowledge, functional studies have not been reported for this variant. This variant has not been reported in individuals affected with RYR1-related disorders in the literature. This variant has been identified in 1/172722 chromosomes in the general population by the Genome Aggregation Database (gnomAD). The available evidence is insufficient to determine the role of this variant in disease conclusively. Therefore, this variant is classified as a Variant of Uncertain Significance.

This study involves interpretation of variants in research participants for the purpose of population health screening. Participant phenotype was not available at the time of variant classification. Additional details can be found in publication PMID: 35346344, PMCID: PMC8962531

Blueprint Genetics
Classification: Uncertain significance. Last evaluated: 2022-10-28. Review status: criteria provided, single submitter. Criteria: ACMG Guidelines, 2015. Collection method: clinical testing. Allele origin: germline.

Juno Genomics, Hangzhou Juno Genomics, Inc
Classification: Uncertain significance for Central core myopathy; Congenital multicore myopathy with external ophthalmoplegia; Malignant hyperthermia, susceptibility to, 1; King Denborough syndrome. Review status: criteria provided, single submitter. Criteria: ACMG Guidelines, 2015. Collection method: clinical testing. Allele origin: germline.
Comment: Absent from controls (or at extremely low frequency if recessive) in Genome Aggregation Database.;Multiple lines of computational evidence support a deleterious effect on the gene or gene product.